The following is an entry in ClinVar:

ClinVar aggregate classification (germline): Uncertain significance (1 of 4 stars; one submission).

Conditions:
Hereditary cancer-predisposing syndrome. Also called: Neoplastic Syndromes, Hereditary; Tumor predisposition; Hereditary Cancer Syndrome; Hereditary neoplastic syndrome. Identifiers: Orphanet 140162, MedGen C0027672, MeSH D009386, MONDO:0015356.

Submission:

Ambry Genetics
Classification: Uncertain significance for Hereditary cancer-predisposing syndrome. Last evaluated: 2024-01-17. Review status: criteria provided, single submitter. Criteria: Ambry Variant Classification Scheme 2023. Collection method: clinical testing. Allele origin: germline.
Comment: The c.-2A>G variant is located in the 5' untranslated region (5&rsquo; UTR) of the PTCH1 gene. This variant results from an A to G substitution 2 bases upstream from the first translated codon. This nucleotide position is highly conserved in available vertebrate species. Based on the available evidence, the clinical significance of this alteration remains unclear.

NM_000264.5(PTCH1):c.-2A>G

Genes: PTCH1 (patched 1; minus strand), LOC130002133 (ATAC-STARR-seq lymphoblastoid silent region 20071; plus strand). Cytogenetic location: 9q22.32.
Variant type: single nucleotide variant.
Coding change: c.-2A>G on transcript NM_000264.5 (MANE Select); 2 bases upstream of the start codon, A replaced by G.
Molecular consequence: 5 prime UTR variant. On other transcripts: non-coding transcript variant (1), intron variant (3).
Genome position (GRCh38, 1-based): chr9:95,508,363, T>C on the plus strand (A>G on the coding strand, the complement: PTCH1 is on the minus strand). VCF-style: chr9-95508363-T-C. GRCh37 (hg19) VCF-style: chr9-98270645-T-C.
Other names: c.-2A>G (NM_001354918.2); c.199-1764A>G (NM_001083603.3); c.4-1764A>G (NM_001083602.3, NM_001354919.2).
Identifiers: ClinVar variation 1798645 (VCV001798645.2), dbSNP rs2538405016, ClinGen allele CA2579389361.